The following is an entry in ClinVar:

ClinVar aggregate classification (germline): Uncertain significance. Review status: criteria provided, multiple submitters, no conflicts (2 of 4 stars). 2 submissions from 2 submitters: Uncertain significance (2). Last evaluated 2025-08-30.

Allele frequency attached by ClinVar (database versions not stated): TOPMed 0.00006; gnomAD exomes 0.00001; gnomAD 0.00001.

Submissions (2):

Ambry Genetics
Classification: Uncertain significance. Last evaluated: 2025-08-30. Review status: criteria provided, single submitter. Criteria: Ambry Variant Classification Scheme 2023. Collection method: clinical testing. Allele origin: germline.

Labcorp Genetics (formerly Invitae), Labcorp
Classification: Uncertain significance. Last evaluated: 2025-02-24. Review status: criteria provided, single submitter. Criteria: Invitae Variant Classification Sherloc (09022015). Collection method: clinical testing. Allele origin: germline.
Comment: This sequence change replaces leucine, which is neutral and non-polar, with proline, which is neutral and non-polar, at codon 152 of the MS4A1 protein (p.Leu152Pro). This variant is present in population databases (rs201495118, gnomAD 0.01%). This variant has not been reported in the literature in individuals affected with MS4A1-related conditions. ClinVar contains an entry for this variant (Variation ID: 2960364). An algorithm developed to predict the effect of missense changes on protein structure and function (PolyPhen-2) suggests that this variant is likely to be tolerated. In summary, the available evidence is currently insufficient to determine the role of this variant in disease. Therefore, it has been classified as a Variant of Uncertain Significance.

NM_152866.3(MS4A1):c.455T>C (p.Leu152Pro)

Gene: MS4A1 (membrane spanning 4-domains A1; plus strand). Cytogenetic location: 11q12.2.
Variant type: single nucleotide variant.
Coding change: c.455T>C on transcript NM_152866.3 (MANE Select); coding-DNA position 455, T replaced by C.
Protein change: p.Leu152Pro; replaces leucine 152 with proline.
Molecular consequence: missense variant.
Genome position (GRCh38, 1-based): chr11:60,466,039, T>C. VCF-style: chr11-60466039-T-C. GRCh37 (hg19) VCF-style: chr11-60233512-T-C.
Other names: c.455T>C, p.Leu152Pro (NM_021950.4, NM_152867.2); short protein forms L152P.
Identifiers: ClinVar variation 2960364 (VCV002960364.4), dbSNP rs201495118, ClinGen allele CA222764125.
Genomic context (GRCh38, chr11:60,466,039, plus strand): 5'-TTCTTTCAATCATGGACATACTTAATATTAAAATTTCCCATTTTTTAAAAATGGAGAGTC[T>C]GAATTTTATTAGAGCTCACACACCATATATTAACATATACAACTGTGAACCAGCTAATCC-3'
Protein context (NP_690605.1, residues 142-162): KISHFLKMES[Leu152Pro]NFIRAHTPYI